The following is an entry in ClinVar:

NM_207346.3(TSEN54):c.437C>A (p.Thr146Asn)

Gene: TSEN54 (tRNA splicing endonuclease subunit 54; plus strand). Cytogenetic location: 17q25.1.
Variant type: single nucleotide variant.
Coding change: c.437C>A on transcript NM_207346.3 (MANE Select); coding-DNA position 437, C replaced by A.
Protein change: p.Thr146Asn; replaces threonine 146 with asparagine.
Molecular consequence: missense variant.
Genome position (GRCh38, 1-based): chr17:75,517,624, C>A. VCF-style: chr17-75517624-C-A. GRCh37 (hg19) VCF-style: chr17-73513705-C-A.
Other names: c.437C>A (NM_207346.2); short protein forms T146N.
Identifiers: ClinVar variation 593525 (VCV000593525.7), dbSNP rs201623351, ClinGen allele CA8764103.

ClinVar aggregate classification (germline): Uncertain significance. Review status: criteria provided, multiple submitters, no conflicts (2 of 4 stars). 3 submissions from 3 submitters: Uncertain significance (3). Last evaluated 2025-08-02.

Conditions:
Inborn genetic diseases. Identifiers: MedGen C0950123, MeSH D030342.

Allele frequency attached by ClinVar (database versions not stated): gnomAD exomes 0.00001 and 0.00004; TOPMed 0.00012; gnomAD 0.00013; 1000 Genomes Project 30x 0.00031; 1000 Genomes Project 0.00040.

Submissions (3):

Ambry Genetics
Classification: Uncertain significance for Inborn genetic diseases. Last evaluated: 2025-08-02. Review status: criteria provided, single submitter. Criteria: Ambry Variant Classification Scheme 2023. Collection method: clinical testing. Allele origin: germline.

Labcorp Genetics (formerly Invitae), Labcorp
Classification: Uncertain significance. Last evaluated: 2022-01-03. Review status: criteria provided, single submitter. Criteria: Invitae Variant Classification Sherloc (09022015). Collection method: clinical testing. Allele origin: germline.
Comment: This sequence change replaces threonine, which is neutral and polar, with asparagine, which is neutral and polar, at codon 146 of the TSEN54 protein (p.Thr146Asn). This variant is present in population databases (rs201623351, gnomAD 0.05%). This variant has not been reported in the literature in individuals affected with TSEN54-related conditions. ClinVar contains an entry for this variant (Variation ID: 593525). Algorithms developed to predict the effect of missense changes on protein structure and function (SIFT, PolyPhen-2, Align-GVGD) all suggest that this variant is likely to be tolerated. In summary, the available evidence is currently insufficient to determine the role of this variant in disease. Therefore, it has been classified as a Variant of Uncertain Significance.

Eurofins Ntd Llc (ga)
Classification: Uncertain significance. Last evaluated: 2017-08-24. Review status: criteria provided, single submitter. Criteria: EGL Classification Definitions 2015. Collection method: clinical testing. Allele origin: germline. Observed: 1 variant allele, 1 heterozygote.